The following is an entry in ClinVar:

ClinVar aggregate classification (germline): Likely benign. Review status: criteria provided, multiple submitters, no conflicts (2 of 4 stars). 2 submissions from 2 submitters: Likely benign (2). Last evaluated 2017-04-27.

Conditions:
Ectodermal dysplasia 10B, hypohidrotic/hair/tooth type, autosomal recessive. Also called: Ectodermal Dysplasia, Hypohidrotic, Autosomal Recessive; Ectodermal dysplasia 10B, hypohidrotic/hair/tooth type, autosomal. Identifiers: Orphanet 238468, Orphanet 248, MedGen C3887494, MONDO:0009147, OMIM 224900.

Allele frequency attached by ClinVar (database versions not stated): 1000 Genomes Project 0.01737; TOPMed 0.02111; 1000 Genomes Project 30x 0.01780; gnomAD 0.01813 and 0.01970.
gnomAD v4.1: 5,275 of 1,594,822 alleles (0.33%); highest among the groups gnomAD compares: African/African-American, 6.4%; 161 homozygotes.

Submissions (2):

Illumina Laboratory Services, Illumina
Classification: Likely benign for Autosomal recessive hypohidrotic ectodermal dysplasia syndrome. Last evaluated: 2017-04-27. Review status: criteria provided, single submitter. Criteria: ICSL Variant Classification Criteria 13 December 2019. Collection method: clinical testing. Allele origin: germline.
Comment: This variant was observed as part of a predisposition screen in an ostensibly healthy population. A literature search was performed for the gene, cDNA change, and amino acid change (where applicable). No publications were found based on this search. Allele frequency data from public databases allowed determination this variant is unlikely to cause disease. Therefore, this variant is classified as likely benign.

Breakthrough Genomics
Classification: Likely benign. Review status: criteria provided, single submitter. Criteria: ACMG Guidelines, 2015. Collection method: not provided. Allele origin: germline. Inheritance: Autosomal recessive inheritance. Affected: yes.

NM_145861.4(EDARADD):c.*678A>C

Gene: EDARADD (EDAR associated via death domain; plus strand). Cytogenetic location: 1q43.
Variant type: single nucleotide variant.
Coding change: c.*678A>C on transcript NM_145861.4 (MANE Select); 678 bases downstream of the stop codon, A replaced by C.
Molecular consequence: 3 prime UTR variant.
Genome position (GRCh38, 1-based): chr1:236,483,327, A>C. VCF-style: chr1-236483327-A-C. GRCh37 (hg19) VCF-style: chr1-236646627-A-C.
Other names: c.*678A>C (NM_001422628.1, NM_080738.5).
Identifiers: ClinVar variation 296463 (VCV000296463.6), dbSNP rs61740488, ClinGen allele CA10610570.